The following is an entry in ClinVar:

NM_001286577.2(C2CD3):c.3361G>A (p.Val1121Met)

Gene: C2CD3 (C2 domain containing 3 centriole elongation regulator; minus strand). Cytogenetic location: 11q13.4.
Variant type: single nucleotide variant.
Coding change: c.3361G>A on transcript NM_001286577.2 (MANE Select); coding-DNA position 3361, G replaced by A.
Protein change: p.Val1121Met; replaces valine 1121 with methionine.
Molecular consequence: missense variant.
Genome position (GRCh38, 1-based): chr11:74,092,572, C>T on the plus strand (G>A on the coding strand, the complement: C2CD3 is on the minus strand). VCF-style: chr11-74092572-C-T. GRCh37 (hg19) VCF-style: chr11-73803617-C-T.
Other names: c.3361G>A, p.Val1121Met (NM_015531.6); short protein forms V1121M.
Identifiers: ClinVar variation 1430147 (VCV001430147.9), dbSNP rs148338171, ClinGen allele CA6182411.

ClinVar aggregate classification (germline): Uncertain significance (1 of 4 stars; one submission).

Allele frequency attached by ClinVar (database versions not stated): gnomAD exomes 0.00001 and 0.00002; ExAC 0.00003; gnomAD 0.00005 and 0.00006; TOPMed 0.00006; ESP Exome Variant Server 0.00015; 1000 Genomes Project 30x 0.00031; 1000 Genomes Project 0.00040.
gnomAD v4.1: 17 of 1,613,402 alleles (0.0011%); highest among the groups gnomAD compares: African/African-American, 0.023%; no homozygotes.

Submission:

Labcorp Genetics (formerly Invitae), Labcorp
Classification: Uncertain significance. Last evaluated: 2022-07-19. Review status: criteria provided, single submitter. Criteria: Invitae Variant Classification Sherloc (09022015). Collection method: clinical testing. Allele origin: germline.
Comment: ClinVar contains an entry for this variant (Variation ID: 1430147). This variant has not been reported in the literature in individuals affected with C2CD3-related conditions. This variant is present in population databases (rs148338171, gnomAD 0.02%). This sequence change replaces valine, which is neutral and non-polar, with methionine, which is neutral and non-polar, at codon 1121 of the C2CD3 protein (p.Val1121Met). Algorithms developed to predict the effect of missense changes on protein structure and function are either unavailable or do not agree on the potential impact of this missense change (SIFT: "Deleterious"; PolyPhen-2: "Probably Damaging"; Align-GVGD: "Class C0"). In summary, the available evidence is currently insufficient to determine the role of this variant in disease. Therefore, it has been classified as a Variant of Uncertain Significance.